The following is an entry in ClinVar:

NM_000501.4(ELN):c.1300G>A (p.Gly434Arg)

Gene: ELN (elastin; plus strand). Cytogenetic location: 7q11.23.
Variant type: single nucleotide variant.
Coding change: c.1300G>A on transcript NM_000501.4 (MANE Select); coding-DNA position 1300, G replaced by A.
Protein change: p.Gly434Arg; replaces glycine 434 with arginine.
Molecular consequence: missense variant. On other transcripts: intron variant (2).
Genome position (GRCh38, 1-based): chr7:74,056,420, G>A. VCF-style: chr7-74056420-G-A. GRCh37 (hg19) VCF-style: chr7-73470750-G-A.
Other names: c.1300G>A (NM_000501.2, NM_001278939.1); c.1270G>A, p.Gly424Arg (NM_001081752.3, NM_001278917.2); c.1315G>A, p.Gly439Arg (NM_001081753.3, NM_001081754.3); c.1300G>A, p.Gly434Arg (NM_001081755.3, NM_001278912.2, NM_001278915.2 and 1 more transcripts); c.1285G>A, p.Gly429Arg (NM_001278914.2); c.1258G>A, p.Gly420Arg (NM_001278916.2); c.1129+63G>A (NM_001278913.2); c.1105+63G>A (NM_001278918.2); short protein forms G420R, G424R, G429R, G434R, G439R.
Identifiers: ClinVar variation 1690445 (VCV001690445.9), dbSNP rs782630866, ClinGen allele CA4292921.

ClinVar aggregate classification (germline): Uncertain significance. Review status: criteria provided, multiple submitters, no conflicts (2 of 4 stars). 4 submissions from 4 submitters: Uncertain significance (4). Last evaluated 2025-01-23.

Conditions:
Inborn genetic diseases. Identifiers: MedGen C0950123, MeSH D030342.
Supravalvar aortic stenosis (SVAS). Also called: Supravalvar aortic stenosis, Eisenberg type. Identifiers: Orphanet 3193, MedGen C0003499, MONDO:0008504, OMIM 185500, HP:0004381.

Allele frequency attached by ClinVar (database versions not stated): ExAC 0.00001; gnomAD exomes 0.00001.
gnomAD v4.1: 4 of 1,613,756 alleles (0.00025%); highest among the groups gnomAD compares: Middle Eastern, 0.017%; no homozygotes.

Submissions (4):

Ambry Genetics
Classification: Uncertain significance for Inborn genetic diseases. Last evaluated: 2025-01-23. Review status: criteria provided, single submitter. Criteria: Ambry Variant Classification Scheme 2023. Collection method: clinical testing. Allele origin: germline.

Revvity Omics, Revvity
Classification: Uncertain significance. Last evaluated: 2022-09-22. Review status: criteria provided, single submitter. Criteria: ACMG Guidelines, 2015. Collection method: clinical testing. Allele origin: germline.

Labcorp Genetics (formerly Invitae), Labcorp
Classification: Uncertain significance for Supravalvar aortic stenosis. Last evaluated: 2022-02-06. Review status: criteria provided, single submitter. Criteria: Invitae Variant Classification Sherloc (09022015). Collection method: clinical testing. Allele origin: germline.
Comment: In summary, the available evidence is currently insufficient to determine the role of this variant in disease. Therefore, it has been classified as a Variant of Uncertain Significance. Algorithms developed to predict the effect of missense changes on protein structure and function are either unavailable or do not agree on the potential impact of this missense change (SIFT: "Tolerated"; PolyPhen-2: "Not Available"; Align-GVGD: "Class C0"). This variant has not been reported in the literature in individuals affected with ELN-related conditions. This variant is present in population databases (rs782630866, gnomAD 0.002%). This sequence change replaces glycine, which is neutral and non-polar, with arginine, which is basic and polar, at codon 434 of the ELN protein (p.Gly434Arg).

Laboratorio de Genetica e Diagnostico Molecular, Hospital Israelita Albert Einstein
Classification: Uncertain significance. Last evaluated: 2021-09-08. Review status: criteria provided, single submitter. Criteria: ACMG Guidelines, 2015. Collection method: clinical testing. Allele origin: germline. Affected: yes.
Comment: ACMG classification criteria: PM2, BP4